The following is an entry in ClinVar:

ClinVar aggregate classification (germline): Conflicting classifications of pathogenicity. Review status: criteria provided, conflicting classifications (1 of 4 stars). 2 submissions from 2 submitters: Uncertain significance (1); Likely benign (1). Last evaluated 2026-05-31.

Conditions:
Hereditary cancer-predisposing syndrome. Also called: Hereditary Cancer Syndrome; Hereditary neoplastic syndrome; Neoplastic Syndromes, Hereditary; Tumor predisposition. Identifiers: Orphanet 140162, MedGen C0027672, MeSH D009386, MONDO:0015356.
EGFR-related lung cancer (EGFR). Identifiers: MedGen CN130014.

Submissions (2):

Ambry Genetics
Classification: Likely benign for Hereditary cancer-predisposing syndrome. Last evaluated: 2026-05-31. Review status: criteria provided, single submitter. Criteria: Ambry Variant Classification Scheme 2023. Collection method: clinical testing. Allele origin: germline.

Labcorp Genetics (formerly Invitae), Labcorp
Classification: Uncertain significance for EGFR-related lung cancer. Last evaluated: 2024-10-02. Review status: criteria provided, single submitter. Criteria: Invitae Variant Classification Sherloc (09022015). Collection method: clinical testing. Allele origin: germline.
Comment: This sequence change replaces methionine, which is neutral and non-polar, with valine, which is neutral and non-polar, at codon 650 of the EGFR protein (p.Met650Val). This variant is not present in population databases (gnomAD no frequency). This variant has not been reported in the literature in individuals affected with EGFR-related conditions. Invitae Evidence Modeling of protein sequence and biophysical properties (such as structural, functional, and spatial information, amino acid conservation, physicochemical variation, residue mobility, and thermodynamic stability) indicates that this missense variant is not expected to disrupt EGFR protein function with a negative predictive value of 80%. In summary, the available evidence is currently insufficient to determine the role of this variant in disease. Therefore, it has been classified as a Variant of Uncertain Significance.

NM_005228.5(EGFR):c.1948A>G (p.Met650Val)

Gene: EGFR (epidermal growth factor receptor; plus strand). Cytogenetic location: 7p11.2.
Variant type: single nucleotide variant.
Coding change: c.1948A>G on transcript NM_005228.5 (MANE Select); coding-DNA position 1948, A replaced by G.
Protein change: p.Met650Val; replaces methionine 650 with valine.
Molecular consequence: missense variant.
Genome position (GRCh38, 1-based): chr7:55,173,011, A>G. VCF-style: chr7-55173011-A-G. GRCh37 (hg19) VCF-style: chr7-55240704-A-G.
Other names: c.1813A>G, p.Met605Val (NM_001346897.2, NM_001346899.2); c.1948A>G, p.Met650Val (NM_001346898.2); c.1789A>G, p.Met597Val (NM_001346900.2); c.1147A>G, p.Met383Val (NM_001346941.2); short protein forms M597V, M605V, M383V, M650V.
Identifiers: ClinVar variation 3700383 (VCV003700383.3).
Genomic context (GRCh38, chr7:55,173,011, plus strand): 5'-TCACCCTTCCTTGTTCCTCCACCTCATTCCAGGCCTAAGATCCCGTCCATCGCCACTGGG[A>G]TGGTGGGGGCCCTCCTCTTGCTGCTGGTGGTGGCCCTGGGGATCGGCCTCTTCATGCGAA-3'
Protein context (NP_005219.2, residues 640-660): GPKIPSIATG[Met650Val]VGALLLLLVV